The following is an entry in ClinVar:

NM_021615.5(CHST6):c.*3465T>C

Gene: CHST6 (carbohydrate sulfotransferase 6; minus strand). Cytogenetic location: 16q23.1.
Variant type: single nucleotide variant.
Coding change: c.*3465T>C on transcript NM_021615.5 (MANE Select); 3465 bases downstream of the stop codon, T replaced by C.
Molecular consequence: 3 prime UTR variant.
Genome position (GRCh38, 1-based): chr16:75,475,176, A>G on the plus strand (T>C on the coding strand, the complement: CHST6 is on the minus strand). VCF-style: chr16-75475176-A-G. GRCh37 (hg19) VCF-style: chr16-75509074-A-G.
Identifiers: ClinVar variation 886788 (VCV000886788.4), dbSNP rs76471046, ClinGen allele CA283850346.

ClinVar aggregate classification (germline): Benign (1 of 4 stars; one submission).

Conditions:
Macular corneal dystrophy (MCD). Also called: GROENOUW TYPE II CORNEAL DYSTROPHY; Macular corneal dystrophy Type I. Identifiers: Orphanet 98969, MedGen C1636149, MONDO:0009020, OMIM 217800.

Allele frequency attached by ClinVar (database versions not stated): gnomAD 0.00364 and 0.00409; TOPMed 0.00614; 1000 Genomes Project 0.00859.

Submission:

Illumina Laboratory Services, Illumina
Classification: Benign for Macular corneal dystrophy. Last evaluated: 2018-01-13. Review status: criteria provided, single submitter. Criteria: ICSL Variant Classification Criteria 13 December 2019. Collection method: clinical testing. Allele origin: germline.
Comment: This variant was observed in the ICSL laboratory as part of a predisposition screen in an ostensibly healthy population. It had not been previously curated by ICSL or reported in the Human Gene Mutation Database (HGMD: prior to June 1st, 2018), and was therefore a candidate for classification through an automated scoring system. Utilizing variant allele frequency, disease prevalence and penetrance estimates, and inheritance mode, an automated score was calculated to assess if this variant is too frequent to cause the disease. Based on the score and internal cut-off values, a variant classified as benign is not then subjected to further curation. The score for this variant resulted in a classification of benign for this disease.